The following is an entry in ClinVar:

ClinVar aggregate classification (germline): Likely benign (0 of 4 stars; one submission).

Conditions:
SARDH-related disorder. Also called: SARDH-related condition.

Allele frequency attached by ClinVar (database versions not stated): ExAC 0.00001; gnomAD exomes 0.00002; gnomAD 0.00003; TOPMed 0.00004; ESP Exome Variant Server 0.00008.
gnomAD v4.1: 43 of 1,614,040 alleles (0.0027%); highest among the groups gnomAD compares: Middle Eastern, 0.016%; no homozygotes.

Submission:

PreventionGenetics, part of Exact Sciences
Classification: Likely benign for SARDH-related condition. Last evaluated: 2019-05-15. Review status: no assertion criteria provided. Collection method: clinical testing. Allele origin: germline.
Comment: This variant is classified as likely benign based on ACMG/AMP sequence variant interpretation guidelines (Richards et al. 2015 PMID: 25741868, with internal and published modifications).

NM_001134707.2(SARDH):c.666G>A (p.Arg222=)

Gene: SARDH (sarcosine dehydrogenase; minus strand). Cytogenetic location: 9q34.2.
Variant type: single nucleotide variant.
Coding change: c.666G>A on transcript NM_001134707.2 (MANE Select); coding-DNA position 666, G replaced by A.
Protein change: p.Arg222=; no amino-acid change (arginine 222 retained).
Molecular consequence: synonymous variant.
Genome position (GRCh38, 1-based): chr9:133,731,329, C>T on the plus strand (G>A on the coding strand, the complement: SARDH is on the minus strand). VCF-style: chr9-133731329-C-T. GRCh37 (hg19) VCF-style: chr9-136596451-C-T.
Other names: c.666G>A, p.Arg222= (NM_007101.4).
Identifiers: ClinVar variation 3041740 (VCV003041740.2), dbSNP rs201146600, ClinGen allele CA5314731.